The following is an entry in ClinVar:

NM_014874.4(MFN2):c.707C>T (p.Thr236Met)

Gene: MFN2 (mitofusin 2; plus strand). Cytogenetic location: 1p36.22.
Variant type: single nucleotide variant.
Coding change: c.707C>T on transcript NM_014874.4 (MANE Select); coding-DNA position 707, C replaced by T.
Protein change: p.Thr236Met; replaces threonine 236 with methionine.
Molecular consequence: missense variant.
Genome position (GRCh38, 1-based): chr1:11,998,877, C>T. VCF-style: chr1-11998877-C-T. GRCh37 (hg19) VCF-style: chr1-12058934-C-T.
Other names: c.707C>T, p.Thr236Met (NM_001127660.2); short protein forms T236M.
Identifiers: ClinVar variation 217165 (VCV000217165.48), dbSNP rs773159585, ClinGen allele CA277612.

ClinVar aggregate classification (germline): Conflicting classifications of pathogenicity. Review status: criteria provided, conflicting classifications (1 of 4 stars). 9 submissions from 9 submitters: Pathogenic (1); Likely pathogenic (5); Uncertain significance (2). 1 of the submissions does not count toward it. Last evaluated 2026-01-27.

Conditions:
Charcot-Marie-Tooth disease type 2. Also called: Charcot-Marie-Tooth type 2. Identifiers: Orphanet 64746, MedGen C0270914, MONDO:0018993.
Charcot-Marie-Tooth disease. Also called: Charcot-Marie-Tooth Hereditary Neuropathy; Charcot-Marie-Tooth Neuropathy. Identifiers: Orphanet 166, MedGen C0007959, MONDO:0015626.
Distal lower limb amyotrophy. Identifiers: MedGen C1836451, HP:0008944.
Peripheral axonal neuropathy. Also called: Axonal neuropathy. Identifiers: MedGen C1263857, MONDO:0004183, HP:0003477.
Distal muscle weakness. Identifiers: MedGen C0427065, HP:0002460.
Autosomal dominant and autosomal recessive MFN2-related disorders.
Charcot-Marie-Tooth disease type 2A2. Also called: CHARCOT-MARIE-TOOTH DISEASE, AXONAL, AUTOSOMAL DOMINANT, TYPE 2A2A; CHARCOT-MARIE-TOOTH DISEASE, NEURONAL, TYPE 2A2; HEREDITARY MOTOR AND SENSORY NEUROPATHY IIA2; HMSN IIA2; CHARCOT-MARIE-TOOTH DISEASE, AXONAL, TYPE 2A2; Charcot-Marie-Tooth Neuropathy Type 2A2. Identifiers: Orphanet 99947, MedGen C4721887, MONDO:0012231, OMIM 609260.

Allele frequency attached by ClinVar (database versions not stated): gnomAD exomes below 0.00001 and 0.00001; ExAC 0.00001.
gnomAD v4.1: 3 of 1,613,866 alleles (0.00019%); highest among the groups gnomAD compares: Non-Finnish European, 0.00025%; no homozygotes.

Submissions (9):

Labcorp Genetics (formerly Invitae), Labcorp
Classification: Likely pathogenic for Charcot-Marie-Tooth disease type 2. Last evaluated: 2026-01-27. Review status: criteria provided, single submitter. Criteria: Invitae Variant Classification Sherloc (09022015). Collection method: clinical testing. Allele origin: germline.
Comment: This sequence change replaces threonine, which is neutral and polar, with methionine, which is neutral and non-polar, at codon 236 of the MFN2 protein (p.Thr236Met). This variant is present in population databases (rs773159585, gnomAD 0.01%). This missense change has been observed in individuals with Charcot-Marie-Tooth disease (PMID: 15549395, 25403865, 33110000; internal data). ClinVar contains an entry for this variant (Variation ID: 217165). Invitae Evidence Modeling of protein sequence and biophysical properties (such as structural, functional, and spatial information, amino acid conservation, physicochemical variation, residue mobility, and thermodynamic stability) has been performed for this missense variant. However, the output from this modeling did not meet the statistical confidence thresholds required to predict the impact of this variant on MFN2 protein function. In summary, the currently available evidence indicates that the variant is pathogenic, but additional data are needed to prove that conclusively. Therefore, this variant has been classified as Likely Pathogenic.

Variantyx, Inc.
Classification: Likely pathogenic for Autosomal dominant and autosomal recessive MFN2-related disorders. Last evaluated: 2025-09-29. Review status: criteria provided, single submitter. Criteria: Variantyx Assertion Criteria 2022. Collection method: clinical testing. Allele origin: germline. Inheritance: Autosomal dominant inheritance. Affected: yes.
Comment: This is a nonsynonymous variant in the MFN2 gene (OMIM: 608507). Pathogenic variants in this gene have been associated with autosomal dominant and autosomal recessive MFN2-related disorders. This variant has been reported in at least 2 affected individual(s) (PMID: 33110000, 15549395) (PS4). This variant lies within a known hotspot for pathogenic variants or a well-established critical functional domain of the MFN2 protein (PMID: 33415332, 24444136) (PM1). Multiple computational algorithms predict a deleterious effect for this variant (REVEL score: 0.899) (PP3). This variant has a 0.0003% maximum allele frequency in non-founder control populations (PM2). Based on the current evidence, this variant is classified as likely pathogenic for autosomal dominant and autosomal recessive MFN2-related disorders.

CeGaT Center for Human Genetics Tuebingen
Classification: Likely pathogenic. Last evaluated: 2022-09-01. Review status: criteria provided, single submitter. Criteria: CeGaT Center For Human Genetics Tuebingen Variant Classification Criteria Version 2. Collection method: clinical testing. Allele origin: germline. Affected: yes. Observed: 1 variant allele.
Comment: MFN2: PM1, PM2, PS4:Moderate

Blueprint Genetics
Classification: Uncertain significance. Last evaluated: 2020-12-01. Review status: criteria provided, single submitter. Criteria: ACMG Guidelines, 2015. Collection method: clinical testing. Allele origin: germline.

GeneDx
Classification: Uncertain significance. Last evaluated: 2020-11-25. Review status: criteria provided, single submitter. Criteria: GeneDx Variant Classification Process June 2021. Collection method: clinical testing. Allele origin: germline. Affected: yes.
Comment: In silico analysis, which includes protein predictors and evolutionary conservation, supports a deleterious effect; This variant is associated with the following publications: (PMID: 32963807, 15549395, 25403865, 30373780, 30340945)

Department of Paediatrics and Adolescent Medicine, The University of Hong Kong
Classification: Likely pathogenic. Last evaluated: 2020-06-02. Review status: criteria provided, single submitter. Criteria: ACMG Guidelines, 2015. Collection method: research. Allele origin: unknown.
Comment: By the ACMG guideline 2015, this variant is classified as likely pathogenic (PM1, PM2, PP2, PP3) with multiple affected individuals reported.

Centre for Mendelian Genomics, University Medical Centre Ljubljana
Classification: Likely pathogenic for Distal lower limb amyotrophy; Distal muscle weakness; Peripheral axonal neuropathy. Last evaluated: 2014-06-04. Review status: criteria provided, single submitter. Criteria: ACMG Guidelines, 2015. Collection method: clinical testing. Allele origin: unknown. Affected: yes.

Athena Diagnostics
Classification: Pathogenic for Charcot-Marie-Tooth disease, type 2A2. Last evaluated: 2013-01-29. Review status: criteria provided, single submitter. Criteria: Athena Diagnostics Criteria. Collection method: clinical testing. Allele origin: germline. Inheritance: Autosomal dominant inheritance.

Genesis Genome Database
Classification: Uncertain significance for Charcot-Marie-Tooth disease. Last evaluated: 2019-08-14. Review status: no assertion criteria provided. Collection method: research. Allele origin: germline. Affected: yes. Not counted in ClinVar's aggregate classification.

Literature cited by the submitters: PubMed 15549395 (cited by 3 submitters); PubMed 25403865 (cited by Labcorp Genetics (formerly Invitae), Labcorp); PubMed 33110000 (cited by Labcorp Genetics (formerly Invitae), Labcorp and Variantyx, Inc.); PubMed 32963807 (cited by Variantyx, Inc. and Department of Paediatrics and Adolescent Medicine, The University of Hong Kong); PubMed 33415332 (cited by Variantyx, Inc.); PubMed 24444136 (cited by Variantyx, Inc.).